The following is an entry in ClinVar:

ClinVar aggregate classification (germline): Likely pathogenic (1 of 4 stars; one submission).

gnomAD v4.1: 1 of 1,187,631 alleles (0.000084%); highest among the groups gnomAD compares: Non-Finnish European, 0.00011%; no homozygotes.

Submission:

GeneDx
Classification: Likely pathogenic. Last evaluated: 2025-10-21. Review status: criteria provided, single submitter. Criteria: GeneDx Variant Classification Process June 2021. Collection method: clinical testing. Allele origin: germline.
Comment: Not observed at significant frequency in large population cohorts (gnomAD); In silico analysis supports that this missense variant has a deleterious effect on protein structure/function; Has not been previously published as pathogenic or benign to our knowledge

NM_001282874.2(SMARCA1):c.1234G>A (p.Glu412Lys)

Gene: SMARCA1 (SNF2 related chromatin remodeling ATPase 1; minus strand). Cytogenetic location: Xq25.
Variant type: single nucleotide variant.
Coding change: c.1234G>A on transcript NM_001282874.2 (MANE Select); coding-DNA position 1234, G replaced by A.
Protein change: p.Glu412Lys; replaces glutamic acid 412 with lysine.
Molecular consequence: missense variant.
Genome position (GRCh38, 1-based): chrX:129,499,775, C>T on the plus strand (G>A on the coding strand, the complement: SMARCA1 is on the minus strand). VCF-style: chrX-129499775-C-T. GRCh37 (hg19) VCF-style: chrX-128633752-C-T.
Other names: c.1234G>A, p.Glu412Lys (NM_001282875.2, NM_001378261.1, NM_001378262.1 and 3 more transcripts); short protein forms E412K.
Identifiers: ClinVar variation 3899521 (VCV003899521.2).